The following is an entry in ClinVar:

NM_001199107.2(TBC1D24):c.948C>T (p.Ile316=)

Gene: TBC1D24 (TBC1 domain family member 24; plus strand). Cytogenetic location: 16p13.3.
Variant type: single nucleotide variant.
Coding change: c.948C>T on transcript NM_001199107.2 (MANE Select); coding-DNA position 948, C replaced by T.
Protein change: p.Ile316=; no amino-acid change (isoleucine 316 retained).
Molecular consequence: synonymous variant.
Genome position (GRCh38, 1-based): chr16:2,497,096, C>T. VCF-style: chr16-2497096-C-T. GRCh37 (hg19) VCF-style: chr16-2547097-C-T.
Other names: c.948C>T, p.Ile316= (NM_020705.3).
Identifiers: ClinVar variation 387282 (VCV000387282.1), dbSNP rs1057522754, ClinGen allele CA16608141.
Genomic context (GRCh38, chr16:2,497,096, plus strand): 5'-CCGCAAGGAGATCCAGCTCCTGCAGATGGCCAATGAGAAAGCCCTGAAGCAGAAGGGCAT[C>T]ACCGTGAAGCAGAAGAGGTAGGTCGCCGGCAGCCTGTGAGGGGTACACCCAGGGTCGGGG-3'
Protein context (NP_001186036.1, residues 306-326): ANEKALKQKG[Ile316=]TVKQKSVSLS

ClinVar aggregate classification (germline): Likely benign (1 of 4 stars; one submission).

Submission:

GeneDx
Classification: Likely benign. Last evaluated: 2016-07-01. Review status: criteria provided, single submitter. Criteria: GeneDx Variant Classification (06012015). Collection method: clinical testing. Allele origin: germline. Affected: yes.
Comment: This variant is considered likely benign or benign based on one or more of the following criteria: it is a conservative change, it occurs at a poorly conserved position in the protein, it is predicted to be benign by multiple in silico algorithms, and/or has population frequency not consistent with disease.